The following is an entry in ClinVar:

ClinVar aggregate classification (germline): Likely benign (1 of 4 stars; one submission).

gnomAD v4.1: 61 of 1,614,220 alleles (0.0038%); highest among the groups gnomAD compares: African/African-American, 0.012%; no homozygotes.

Submission:

CeGaT Center for Human Genetics Tuebingen
Classification: Likely benign. Last evaluated: 2025-12-01. Review status: criteria provided, single submitter. Criteria: CeGaT Center For Human Genetics Tuebingen Variant Classification Criteria Version 2. Collection method: clinical testing. Allele origin: germline. Affected: yes. Observed: 1 variant allele.
Comment: WDFY3: BP4, BP7

NM_014991.6(WDFY3):c.10005C>T (p.Ser3335=)

Gene: WDFY3 (WD repeat and FYVE domain containing 3; minus strand). Cytogenetic location: 4q21.23.
Variant type: single nucleotide variant.
Coding change: c.10005C>T on transcript NM_014991.6 (MANE Select); coding-DNA position 10005, C replaced by T.
Protein change: p.Ser3335=; no amino-acid change (serine 3335 retained).
Molecular consequence: synonymous variant.
Genome position (GRCh38, 1-based): chr4:84,679,061, G>A on the plus strand (C>T on the coding strand, the complement: WDFY3 is on the minus strand). VCF-style: chr4-84679061-G-A. GRCh37 (hg19) VCF-style: chr4-85600214-G-A.
Identifiers: ClinVar variation 4681561 (VCV004681561.5).
Genomic context (GRCh38, chr4:84,679,061, plus strand): 5'-CTGGCCCTCTGAATAGTTCACAAATATGAAGCCGTCTTTCTCATCTAGACTGAGCTGGTC[G>A]GACCAGCGTCTGGAGTCGTCAGAGCCACTGTCAGTACACCAGGCGGCTGTTGCGCGGCAG-3'
Protein context (NP_055806.2, residues 3325-3345): DSGSDDSRRW[Ser3335=]DQLSLDEKDG